The following is an entry in ClinVar:

NM_001242957.3(MAK):c.1837C>T (p.Arg613Cys)

Gene: MAK (male germ cell associated kinase; minus strand). Cytogenetic location: 6p24.2.
Variant type: single nucleotide variant.
Coding change: c.1837C>T on transcript NM_001242957.3 (MANE Select); coding-DNA position 1837, C replaced by T.
Protein change: p.Arg613Cys; replaces arginine 613 with cysteine.
Molecular consequence: missense variant. On other transcripts: non-coding transcript variant (2).
Genome position (GRCh38, 1-based): chr6:10,764,562, G>A on the plus strand (C>T on the coding strand, the complement: MAK is on the minus strand). VCF-style: chr6-10764562-G-A. GRCh37 (hg19) VCF-style: chr6-10764795-G-A.
Other names: c.1762C>T (NM_005906.4); c.1837C>T (NM_001242957.2); c.1642C>T, p.Arg548Cys (NM_001242385.2); c.1540C>T, p.Arg514Cys (NM_001377262.1); c.1762C>T, p.Arg588Cys (NM_005906.6); short protein forms R514C, R548C, R588C, R613C.
Identifiers: ClinVar variation 1021873 (VCV001021873.8), dbSNP rs553591095, ClinGen allele CA3633329.

ClinVar aggregate classification (germline): Uncertain significance. Review status: criteria provided, multiple submitters, no conflicts (2 of 4 stars). 4 submissions from 4 submitters: Uncertain significance (4). Last evaluated 2026-07-14.

Conditions:
Inborn genetic diseases. Identifiers: MedGen C0950123, MeSH D030342.
MAK-related disorder. Also called: MAK-related condition.

Allele frequency attached by ClinVar (database versions not stated): gnomAD exomes 0.00002 and 0.00003; TOPMed 0.00002; ExAC 0.00003; gnomAD 0.00003 and 0.00004; 1000 Genomes Project 30x 0.00016; 1000 Genomes Project 0.00020.
gnomAD v4.1: 38 of 1,613,948 alleles (0.0024%); highest among the groups gnomAD compares: Admixed American, 0.005%; no homozygotes.

Submissions (4):

PreventionGenetics, part of Exact Sciences
Classification: Uncertain significance for MAK-related condition. Last evaluated: 2026-07-14. Review status: criteria provided, single submitter. Criteria: ACMG Guidelines, 2015. Collection method: clinical testing. Allele origin: germline.
Comment: The MAK c.1837C>T variant is predicted to result in the amino acid substitution p.Arg613Cys. To our knowledge, this variant has not been reported in the literature. This variant is reported in 0.0054% of alleles in individuals of East Asian descent in gnomAD. At this time, the clinical significance of this variant is uncertain due to the absence of conclusive functional and genetic evidence.

Blueprint Genetics
Classification: Uncertain significance. Last evaluated: 2024-08-20. Review status: criteria provided, single submitter. Criteria: ACMG Guidelines, 2015. Collection method: clinical testing. Allele origin: germline.

Ambry Genetics
Classification: Uncertain significance for Inborn genetic diseases. Last evaluated: 2023-06-26. Review status: criteria provided, single submitter. Criteria: Ambry Variant Classification Scheme 2023. Collection method: clinical testing. Allele origin: germline.

Labcorp Genetics (formerly Invitae), Labcorp
Classification: Uncertain significance. Last evaluated: 2021-08-27. Review status: criteria provided, single submitter. Criteria: Invitae Variant Classification Sherloc (09022015). Collection method: clinical testing. Allele origin: germline.